The following is an entry in ClinVar:

ClinVar aggregate classification (germline): Benign. Review status: criteria provided, single submitter (1 of 4 stars). 2 submissions from 2 submitters: Benign (1). 1 of the submissions does not count toward it. Last evaluated 2025-08-29.

Conditions:
MTOR-related disorder. Also called: MTOR-related condition.

Allele frequency attached by ClinVar (database versions not stated): gnomAD below 0.00001; TOPMed 0.00001.
gnomAD v4.1: 17 of 1,614,076 alleles (0.0011%); highest among the groups gnomAD compares: Admixed American, 0.005%; no homozygotes.

Submissions (2):

Labcorp Genetics (formerly Invitae), Labcorp
Classification: Benign. Last evaluated: 2025-08-29. Review status: criteria provided, single submitter. Criteria: Invitae Variant Classification Sherloc (09022015). Collection method: clinical testing. Allele origin: germline.

PreventionGenetics, part of Exact Sciences
Classification: Uncertain significance for MTOR-related condition. Last evaluated: 2024-07-16. Review status: no assertion criteria provided. Collection method: clinical testing. Allele origin: germline. Not counted in ClinVar's aggregate classification.
Comment: The MTOR c.6742G>A variant is predicted to result in the amino acid substitution p.Ala2248Thr. To our knowledge, this variant has not been reported in the literature. This variant is reported in 0.0087% of alleles in individuals of Latino descent in gnomAD. This variant could be benign. At this time, the clinical significance of this variant is uncertain due to the absence of conclusive functional and genetic evidence.

NM_004958.4(MTOR):c.6742G>A (p.Ala2248Thr)

Gene: MTOR (mechanistic target of rapamycin kinase; minus strand). Cytogenetic location: 1p36.22.
Variant type: single nucleotide variant.
Coding change: c.6742G>A on transcript NM_004958.4 (MANE Select); coding-DNA position 6742, G replaced by A.
Protein change: p.Ala2248Thr; replaces alanine 2248 with threonine.
Molecular consequence: missense variant.
Genome position (GRCh38, 1-based): chr1:11,122,047, C>T on the plus strand (G>A on the coding strand, the complement: MTOR is on the minus strand). VCF-style: chr1-11122047-C-T. GRCh37 (hg19) VCF-style: chr1-11182104-C-T.
Other names: short protein forms A2248T.
Identifiers: ClinVar variation 941305 (VCV000941305.10), dbSNP rs181023452, ClinGen allele CA589021.